The following is an entry in ClinVar:

ClinVar aggregate classification (germline): Uncertain significance. Review status: criteria provided, multiple submitters, no conflicts (2 of 4 stars). 2 submissions from 2 submitters: Uncertain significance (2). Last evaluated 2022-03-28.

Conditions:
Citrullinemia type I (CTNL1). Also called: ASS DEFICIENCY; argininosuccinate synthetase deficiency. Identifiers: Orphanet 247525, MedGen C4721769, MONDO:0008988, OMIM 215700.
Citrullinemia. Identifiers: Orphanet 187, MedGen C0175683, MONDO:0015991.

Submissions (2):

Fulgent Genetics
Classification: Uncertain significance for Citrullinemia type I. Last evaluated: 2022-03-28. Review status: criteria provided, single submitter. Criteria: ACMG Guidelines, 2015. Collection method: clinical testing. Allele origin: unknown.

Labcorp Genetics (formerly Invitae), Labcorp
Classification: Uncertain significance for Citrullinemia. Last evaluated: 2021-08-17. Review status: criteria provided, single submitter. Criteria: Invitae Variant Classification Sherloc (09022015). Collection method: clinical testing. Allele origin: germline.
Comment: This sequence change affects codon 121 of the ASS1 mRNA. It is a 'silent' change, meaning that it does not change the encoded amino acid sequence of the ASS1 protein. This variant also falls at the last nucleotide of exon 5, which is part of the consensus splice site for this exon. This variant is not present in population databases (ExAC no frequency). This variant has not been reported in the literature in individuals affected with ASS1-related conditions. Variants that disrupt the consensus splice site are a relatively common cause of aberrant splicing (PMID: 17576681, 9536098). Algorithms developed to predict the effect of sequence changes on RNA splicing suggest that this variant may disrupt the consensus splice site. In summary, the available evidence is currently insufficient to determine the role of this variant in disease. Therefore, it has been classified as a Variant of Uncertain Significance.

Literature cited by the submitters: PubMed 17576681 (cited by Labcorp Genetics (formerly Invitae), Labcorp); PubMed 9536098 (cited by Labcorp Genetics (formerly Invitae), Labcorp).

NM_054012.4(ASS1):c.363G>A (p.Lys121=)

Gene: ASS1 (argininosuccinate synthase 1; plus strand). Cytogenetic location: 9q34.11.
Variant type: single nucleotide variant.
Coding change: c.363G>A on transcript NM_054012.4 (MANE Select); coding-DNA position 363, G replaced by A.
Protein change: p.Lys121=; no amino-acid change (lysine 121 retained).
Molecular consequence: synonymous variant.
Genome position (GRCh38, 1-based): chr9:130,458,589, G>A. VCF-style: chr9-130458589-G-A. GRCh37 (hg19) VCF-style: chr9-133333976-G-A.
Other names: c.363G>A, p.Lys121= (NM_000050.4).
Identifiers: ClinVar variation 1484114 (VCV001484114.4), dbSNP rs2131874200, ClinGen allele CA467388663.
Genomic context (GRCh38, chr9:130,458,589, plus strand): 5'-ACAAGTGGAAATCGCCCAGCGGGAGGGGGCCAAGTATGTGTCCCACGGCGCCACAGGAAA[G>A]GTGAGGCACCTGGGAAGGGCCGGGCAGAGGGAGATGGAGGCGGAGGGGTGTGGGAAGGAG-3'
Protein context (NP_446464.1, residues 111-131): AKYVSHGATG[Lys121=]GNDQVRFELS